The following is an entry in ClinVar:

ClinVar aggregate classification (germline): Benign/Likely benign. Review status: criteria provided, multiple submitters, no conflicts (2 of 4 stars). 4 submissions from 4 submitters: Benign (2); Likely benign (2). Last evaluated 2025-12-24.

Conditions:
Pseudohypoaldosteronism type 2E (PHA2E). Also called: Pseudohypoaldosteronism Type IIE. Identifiers: Orphanet 300530, Orphanet 757, MedGen C3469606, MONDO:0013782, OMIM 614496.
Neurodevelopmental disorder with or without autism or seizures (NEDAUS). Identifiers: MedGen C5543225, MONDO:0030994, OMIM 619239.

Allele frequency attached by ClinVar (database versions not stated): 1000 Genomes Project 30x 0.00016; 1000 Genomes Project 0.00020; ESP Exome Variant Server 0.00038; gnomAD exomes 0.00038 and 0.00067; gnomAD 0.00039 and 0.00042; ExAC 0.00044; TOPMed 0.00055.
gnomAD v4.1: 1,030 of 1,586,534 alleles (0.065%); highest among the groups gnomAD compares: Non-Finnish European, 0.082%; no homozygotes.

Submissions (4):

Labcorp Genetics (formerly Invitae), Labcorp
Classification: Benign. Last evaluated: 2025-12-24. Review status: criteria provided, single submitter. Criteria: Invitae Variant Classification Sherloc (09022015). Collection method: clinical testing. Allele origin: germline.

Women's Health and Genetics/Laboratory Corporation of America, LabCorp
Classification: Likely benign. Last evaluated: 2025-12-10. Review status: criteria provided, single submitter. Criteria: LabCorp Variant Classification Summary - May 2015. Collection method: clinical testing. Allele origin: germline.

Fulgent Genetics
Classification: Likely benign for Pseudohypoaldosteronism type 2E; Neurodevelopmental disorder with or without autism or seizures. Last evaluated: 2021-12-08. Review status: criteria provided, single submitter. Criteria: ACMG Guidelines, 2015. Collection method: clinical testing. Allele origin: unknown.

Illumina Laboratory Services, Illumina
Classification: Benign for Pseudohypoaldosteronism type 2E. Last evaluated: 2018-01-13. Review status: criteria provided, single submitter. Criteria: ICSL Variant Classification Criteria 13 December 2019. Collection method: clinical testing. Allele origin: germline.
Comment: This variant was observed in the ICSL laboratory as part of a predisposition screen in an ostensibly healthy population. It had not been previously curated by ICSL or reported in the Human Gene Mutation Database (HGMD: prior to June 1st, 2018), and was therefore a candidate for classification through an automated scoring system. Utilizing variant allele frequency, disease prevalence and penetrance estimates, and inheritance mode, an automated score was calculated to assess if this variant is too frequent to cause the disease. Based on the score and internal cut-off values, a variant classified as benign is not then subjected to further curation. The score for this variant resulted in a classification of benign for this disease.

NM_003590.5(CUL3):c.264+9C>T

Gene: CUL3 (cullin 3; minus strand). Cytogenetic location: 2q36.2.
Variant type: single nucleotide variant.
Coding change: c.264+9C>T on transcript NM_003590.5 (MANE Select); 9 bases into the intron after coding-DNA position 264, C replaced by T.
Molecular consequence: intron variant.
Genome position (GRCh38, 1-based): chr2:224,557,650, G>A on the plus strand (C>T on the coding strand, the complement: CUL3 is on the minus strand). VCF-style: chr2-224557650-G-A. GRCh37 (hg19) VCF-style: chr2-225422367-G-A.
Other names: c.67-22009C>T (NM_001257197.2); c.282+9C>T (NM_001257198.2).
Identifiers: ClinVar variation 334636 (VCV000334636.12), dbSNP rs200018000, ClinGen allele CA2140246.